The following is an entry in ClinVar:

NM_002303.6(LEPR):c.1975A>C (p.Asn659His)

Gene: LEPR (leptin receptor; plus strand). Cytogenetic location: 1p31.3.
Variant type: single nucleotide variant.
Coding change: c.1975A>C on transcript NM_002303.6 (MANE Select); coding-DNA position 1975, A replaced by C.
Protein change: p.Asn659His; replaces asparagine 659 with histidine.
Molecular consequence: missense variant.
Genome position (GRCh38, 1-based): chr1:65,610,276, A>C. VCF-style: chr1-65610276-A-C. GRCh37 (hg19) VCF-style: chr1-66075959-A-C.
Other names: c.1975A>C, p.Asn659His (NM_001003679.3, NM_001003680.3, NM_001198687.2 and 2 more transcripts); short protein forms N659H.
Identifiers: ClinVar variation 3352908 (VCV003352908.1).

ClinVar aggregate classification (germline): Uncertain significance (0 of 4 stars; one submission).

Conditions:
LEPR-related disorder. Also called: LEPR-related condition; LEPR-related disorders.

gnomAD v4.1: 2 of 1,613,222 alleles (0.00012%); highest among the groups gnomAD compares: Admixed American, 0.0033%; no homozygotes.

Submission:

PreventionGenetics, part of Exact Sciences
Classification: Uncertain significance for LEPR-related condition. Last evaluated: 2024-08-06. Review status: no assertion criteria provided. Collection method: clinical testing. Allele origin: germline.
Comment: The LEPR c.1975A>C variant is predicted to result in the amino acid substitution p.Asn659His. This variant was observed in a cohort of obese individuals, and in vitro functional studies showed inconclusive evidence of loss of function (Supplemental Data Set, Shah et al. 2023. PubMed ID: 36864747). This variant is reported in 0.0058% of alleles in individuals of Latino descent in gnomAD. At this time, the clinical significance of this variant is uncertain due to the absence of conclusive functional and genetic evidence.